The following is an entry in ClinVar:

ClinVar aggregate classification (germline): Uncertain significance (1 of 4 stars; one submission).

Allele frequency attached by ClinVar (database versions not stated): ExAC 0.00002; gnomAD exomes 0.00002.

Submission:

Labcorp Genetics (formerly Invitae), Labcorp
Classification: Uncertain significance. Last evaluated: 2020-11-22. Review status: criteria provided, single submitter. Criteria: Invitae Variant Classification Sherloc (09022015). Collection method: clinical testing. Allele origin: germline.
Comment: In summary, the available evidence is currently insufficient to determine the role of this variant in disease. Therefore, it has been classified as a Variant of Uncertain Significance. Algorithms developed to predict the effect of missense changes on protein structure and function output the following: SIFT: "Tolerated"; PolyPhen-2: "Benign"; Align-GVGD: "Class C0". The arginine amino acid residue is found in multiple mammalian species, suggesting that this missense change does not adversely affect protein function. These predictions have not been confirmed by published functional studies and their clinical significance is uncertain. This variant has not been reported in the literature in individuals with MOCS3-related conditions. This variant is present in population databases (rs768508840, ExAC 0.02%). This sequence change replaces glutamine with arginine at codon 328 of the MOCS3 protein (p.Gln328Arg). The glutamine residue is weakly conserved and there is a small physicochemical difference between glutamine and arginine.

NM_014484.5(MOCS3):c.983A>G (p.Gln328Arg)

Gene: MOCS3 (molybdenum cofactor synthesis 3; plus strand). Cytogenetic location: 20q13.13.
Variant type: single nucleotide variant.
Coding change: c.983A>G on transcript NM_014484.5 (MANE Select); coding-DNA position 983, A replaced by G.
Protein change: p.Gln328Arg; replaces glutamine 328 with arginine.
Molecular consequence: missense variant.
Genome position (GRCh38, 1-based): chr20:50,959,825, A>G. VCF-style: chr20-50959825-A-G. GRCh37 (hg19) VCF-style: chr20-49576362-A-G.
Other names: short protein forms Q328R.
Identifiers: ClinVar variation 1502380 (VCV001502380.8), dbSNP rs768508840, ClinGen allele CA9909518.